The following is an entry in ClinVar:

NR_002223.3:n.1133C>T

Variant type: single nucleotide variant.
Molecular consequence: non-coding transcript variant (on NR_002223.3).
Genome position: GRCh38 VCF-style: chr3-14064854-C-T. GRCh37 (hg19) VCF-style: chr3-14106354-C-T.
Identifiers: ClinVar variation 2653576 (VCV002653576.23), dbSNP rs763643679, ClinGen allele CA2266750.

ClinVar aggregate classification (germline): Likely benign (1 of 4 stars; one submission).

Submission:

CeGaT Center for Human Genetics Tuebingen
Classification: Likely benign. Last evaluated: 2022-10-01. Review status: criteria provided, single submitter. Criteria: CeGaT Center For Human Genetics Tuebingen Variant Classification Criteria Version 2. Collection method: clinical testing. Allele origin: germline. Affected: yes. Observed: 1 variant allele.
Comment: TPRXL: BP4, BP7